The following is an entry in ClinVar:

NM_005529.7(HSPG2):c.682A>G (p.Met228Val)

Gene: HSPG2 (heparan sulfate proteoglycan 2; minus strand). Cytogenetic location: 1p36.12.
Variant type: single nucleotide variant.
Coding change: c.682A>G on transcript NM_005529.7 (MANE Select); coding-DNA position 682, A replaced by G.
Protein change: p.Met228Val; replaces methionine 228 with valine.
Molecular consequence: missense variant.
Genome position (GRCh38, 1-based): chr1:21,887,959, T>C on the plus strand (A>G on the coding strand, the complement: HSPG2 is on the minus strand). VCF-style: chr1-21887959-T-C. GRCh37 (hg19) VCF-style: chr1-22214452-T-C.
Other names: c.682A>G, p.Met228Val (NM_001291860.2); short protein forms M228V.
Identifiers: ClinVar variation 2956680 (VCV002956680.3), dbSNP rs529397302, ClinGen allele CA673740.

ClinVar aggregate classification (germline): Uncertain significance (1 of 4 stars; one submission).

Allele frequency attached by ClinVar (database versions not stated): TOPMed 0.00002; gnomAD 0.00003; ExAC 0.00005; 1000 Genomes Project 0.00060; 1000 Genomes Project 30x 0.00062.
gnomAD v4.1: 14 of 1,614,126 alleles (0.00087%); highest among the groups gnomAD compares: East Asian, 0.022%; no homozygotes.

Submission:

Labcorp Genetics (formerly Invitae), Labcorp
Classification: Uncertain significance. Last evaluated: 2023-08-09. Review status: criteria provided, single submitter. Criteria: Invitae Variant Classification Sherloc (09022015). Collection method: clinical testing. Allele origin: germline.
Comment: In summary, the available evidence is currently insufficient to determine the role of this variant in disease. Therefore, it has been classified as a Variant of Uncertain Significance. An algorithm developed to predict the effect of missense changes on protein structure and function (PolyPhen-2) suggests that this variant is likely to be tolerated. This variant has not been reported in the literature in individuals affected with HSPG2-related conditions. This variant is present in population databases (rs529397302, gnomAD 0.05%). This sequence change replaces methionine, which is neutral and non-polar, with valine, which is neutral and non-polar, at codon 228 of the HSPG2 protein (p.Met228Val).